The following is an entry in ClinVar:

ClinVar aggregate classification (germline): Uncertain significance. Review status: criteria provided, multiple submitters, no conflicts (2 of 4 stars). 2 submissions from 2 submitters: Uncertain significance (2). Last evaluated 2023-03-04.

Conditions:
SFTPB-related disorder. Also called: SFTPB-related condition.

Allele frequency attached by ClinVar (database versions not stated): ExAC 0.00004.
gnomAD v4.1: 31 of 1,613,744 alleles (0.0019%); highest among the groups gnomAD compares: Admixed American, 0.0017%; no homozygotes.

Submissions (2):

PreventionGenetics, part of Exact Sciences
Classification: Uncertain significance for SFTPB-related condition. Last evaluated: 2023-03-04. Review status: criteria provided, single submitter. Criteria: ACMG Guidelines, 2015. Collection method: clinical testing. Allele origin: germline.
Comment: The SFTPB c.628G>A variant is predicted to result in the amino acid substitution p.Glu210Lys. To our knowledge, this variant has not been reported in the literature. This variant is reported in 0.032% of alleles in individuals of European (Finnish) descent in gnomAD. At this time, the clinical significance of this variant is uncertain due to the absence of conclusive functional and genetic evidence.

Breakthrough Genomics
Classification: Uncertain significance. Review status: criteria provided, single submitter. Criteria: ACMG Guidelines, 2015. Collection method: not provided. Allele origin: germline. Inheritance: Autosomal recessive inheritance. Affected: yes.

NM_000542.5(SFTPB):c.592G>A (p.Glu198Lys)

Gene: SFTPB (surfactant protein B; minus strand). Cytogenetic location: 2p11.2.
Variant type: single nucleotide variant.
Coding change: c.592G>A on transcript NM_000542.5 (MANE Select); coding-DNA position 592, G replaced by A.
Protein change: p.Glu198Lys; replaces glutamic acid 198 with lysine.
Molecular consequence: missense variant.
Genome position (GRCh38, 1-based): chr2:85,665,369, C>T on the plus strand (G>A on the coding strand, the complement: SFTPB is on the minus strand). VCF-style: chr2-85665369-C-T. GRCh37 (hg19) VCF-style: chr2-85892492-C-T.
Other names: c.592G>A, p.Glu198Lys (NM_001367281.2, NM_198843.4); short protein forms E198K.
Identifiers: ClinVar variation 2635063 (VCV002635063.2), dbSNP rs747957177, ClinGen allele CA1743985.
Genomic context (GRCh38, chr2:85,665,369, plus strand): 5'-TCCGCTTGATCAGAGCCCTGCAGAGCCAGCAATAGGGGAGAGGAATGGGGAATTGCTGCT[C>T]GGAGAGATCCTGGGGAAAGAATCAGGTGGAGGCCAGGCTGGGTGCTGGGAGAAGAGTCCT-3'
Protein context (NP_000533.4, residues 188-208): RPGPHTQDLS[Glu198Lys]QQFPIPLPYC